The following is an entry in ClinVar:

ClinVar aggregate classification (germline): Conflicting classifications of pathogenicity. Review status: criteria provided, conflicting classifications (1 of 4 stars). 2 submissions from 2 submitters: Uncertain significance (1); Likely benign (1). Last evaluated 2025-02-08.

Conditions:
Hereditary cancer-predisposing syndrome. Also called: Hereditary Cancer Syndrome; Hereditary neoplastic syndrome; Tumor predisposition; Neoplastic Syndromes, Hereditary. Identifiers: Orphanet 140162, MedGen C0027672, MeSH D009386, MONDO:0015356.

Submissions (2):

Ambry Genetics
Classification: Likely benign for Hereditary cancer-predisposing syndrome. Last evaluated: 2025-02-08. Review status: criteria provided, single submitter. Criteria: Ambry Variant Classification Scheme 2023. Collection method: clinical testing. Allele origin: germline.

Quest Diagnostics Nichols Institute San Juan Capistrano
Classification: Uncertain significance. Last evaluated: 2024-11-19. Review status: criteria provided, single submitter. Criteria: Quest Diagnostics criteria. Collection method: clinical testing. Allele origin: unknown.
Comment: The BRCA2 c.6356A>G (p.Asn2119Ser) variant has not been reported in individuals with BRCA2-related conditions in the published literature. It also has not been reported in large, multi-ethnic general populations (Genome Aggregation Database). Analysis of this variant using bioinformatics tools for the prediction of the effect of amino acid changes on protein structure and function yielded predictions that this variant is benign. Based on the available information, we are unable to determine the clinical significance of this variant.

NM_000059.4(BRCA2):c.6356A>G (p.Asn2119Ser)

Gene: BRCA2 (BRCA2 DNA repair associated; plus strand). Cytogenetic location: 13q13.1.
Variant type: single nucleotide variant.
Coding change: c.6356A>G on transcript NM_000059.4 (MANE Select); coding-DNA position 6356, A replaced by G.
Protein change: p.Asn2119Ser; replaces asparagine 2119 with serine.
Molecular consequence: missense variant. On other transcripts: non-coding transcript variant (1), intron variant (2).
Genome position (GRCh38, 1-based): chr13:32,340,711, A>G. VCF-style: chr13-32340711-A-G. GRCh37 (hg19) VCF-style: chr13-32914848-A-G.
Other names: c.6356A>G, p.Asn2119Ser (NM_001406719.1, NM_001406720.1, NM_001432077.1); c.1910-3847A>G (NM_001406721.1); c.425-3847A>G (NM_001406722.1); short protein forms N2119S.
Identifiers: ClinVar variation 3572360 (VCV003572360.2).